The following is an entry in ClinVar:

ClinVar aggregate classification (germline): Uncertain significance (1 of 4 stars; one submission).

Conditions:
Myoclonic dystonia 11 (DYT11). Also called: Myoclonic dystonia; Dystonia 11; Dystonia, alcohol responsive; Hereditary essential myoclonus; SGCE Myoclonus-Dystonia; Myoclonus-Dystonia. Identifiers: Orphanet 36899, MedGen C1834570, MONDO:0008044, OMIM 159900.

gnomAD v4.1: 2 of 1,610,420 alleles (0.00012%); highest among the groups gnomAD compares: African/African-American, 0.0027%; no homozygotes.

Submission:

Labcorp Genetics (formerly Invitae), Labcorp
Classification: Uncertain significance for Myoclonic dystonia 11. Last evaluated: 2023-04-14. Review status: criteria provided, single submitter. Criteria: Invitae Variant Classification Sherloc (09022015). Collection method: clinical testing. Allele origin: germline.
Comment: This sequence change replaces threonine, which is neutral and polar, with arginine, which is basic and polar, at codon 127 of the SGCE protein (p.Thr127Arg). This variant is not present in population databases (gnomAD no frequency). This variant has not been reported in the literature in individuals affected with SGCE-related conditions. Advanced modeling of protein sequence and biophysical properties (such as structural, functional, and spatial information, amino acid conservation, physicochemical variation, residue mobility, and thermodynamic stability) performed at Invitae indicates that this missense variant is not expected to disrupt SGCE protein function. In summary, the available evidence is currently insufficient to determine the role of this variant in disease. Therefore, it has been classified as a Variant of Uncertain Significance.

NM_003919.3(SGCE):c.380C>G (p.Thr127Arg)

Genes: CASD1 (CAS1 domain sialic acid O acetyltransferase 1; plus strand), SGCE (sarcoglycan epsilon; minus strand). Cytogenetic location: 7q21.3.
Variant type: single nucleotide variant.
Coding change: c.380C>G on transcript NM_003919.3 (MANE Select); coding-DNA position 380, C replaced by G.
Protein change: p.Thr127Arg; replaces threonine 127 with arginine.
Molecular consequence: missense variant.
Genome position (GRCh38, 1-based): chr7:94,628,212, G>C on the plus strand (C>G on the coding strand, the complement: SGCE is on the minus strand). VCF-style: chr7-94628212-G-C. GRCh37 (hg19) VCF-style: chr7-94257524-G-C.
Other names: c.380C>G, p.Thr127Arg (NM_001099400.2, NM_001099401.2, NM_001346717.2); c.257C>G, p.Thr86Arg (NM_001301139.2, NM_001362809.2); c.488C>G, p.Thr163Arg (NM_001346713.2, NM_001346715.2); c.293C>G, p.Thr98Arg (NM_001346719.2, NM_001362807.2); c.107C>G, p.Thr36Arg (NM_001346720.2, NM_001362808.2); short protein forms T163R, T36R, T127R, T86R, T98R.
Identifiers: ClinVar variation 3021760 (VCV003021760.3), dbSNP rs2485167997, ClinGen allele CA368237759.
Genomic context (GRCh38, chr7:94,628,212, plus strand): 5'-ACACACACACACATATATGTATAGTTTTGCTCTTTCTAGGTGTAAATTACCTCAATGATT[G>C]TTGGCTTCCCCACATTTTCAGCTGTTGGGGACCCATATAGGACTCCATCACTATATGGTG-3'
Protein context (NP_003910.1, residues 117-137): SPTAENVGKP[Thr127Arg]IIEITAYNRR